The following is an entry in ClinVar:

NM_001379200.1(TBX1):c.985C>T (p.Arg329Cys)

Gene: TBX1 (T-box transcription factor 1; plus strand). Cytogenetic location: 22q11.21.
Variant type: single nucleotide variant.
Coding change: c.985C>T on transcript NM_001379200.1 (MANE Select); coding-DNA position 985, C replaced by T.
Protein change: p.Arg329Cys; replaces arginine 329 with cysteine.
Molecular consequence: missense variant.
Genome position (GRCh38, 1-based): chr22:19,765,951, C>T. VCF-style: chr22-19765951-C-T. GRCh37 (hg19) VCF-style: chr22-19753474-C-T.
Other names: c.958C>T, p.Arg320Cys (NM_005992.1, NM_080646.2, NM_080647.1); short protein forms R329C, R320C.
Identifiers: ClinVar variation 1496698 (VCV001496698.8), dbSNP rs773107514, ClinGen allele CA10102649.

ClinVar aggregate classification (germline): Uncertain significance (1 of 4 stars; one submission).

Conditions:
DiGeorge syndrome. Also called: THIRD AND FOURTH PHARYNGEAL POUCH SYNDROME; Catch22. Identifiers: Orphanet 567, MedGen C0012236, MONDO:0008564, OMIM 188400.

Allele frequency attached by ClinVar (database versions not stated): gnomAD 0.00001.
gnomAD v4.1: 10 of 1,522,278 alleles (0.00066%); highest among the groups gnomAD compares: South Asian, 0.012%; no homozygotes.

Submission:

Labcorp Genetics (formerly Invitae), Labcorp
Classification: Uncertain significance for DiGeorge syndrome. Last evaluated: 2025-01-13. Review status: criteria provided, single submitter. Criteria: Invitae Variant Classification Sherloc (09022015). Collection method: clinical testing. Allele origin: germline.
Comment: This sequence change replaces arginine, which is basic and polar, with cysteine, which is neutral and slightly polar, at codon 320 of the TBX1 protein (p.Arg320Cys). This variant is present in population databases (rs773107514, gnomAD 0.01%). This variant has not been reported in the literature in individuals affected with TBX1-related conditions. ClinVar contains an entry for this variant (Variation ID: 1496698). Invitae Evidence Modeling of protein sequence and biophysical properties (such as structural, functional, and spatial information, amino acid conservation, physicochemical variation, residue mobility, and thermodynamic stability) indicates that this missense variant is not expected to disrupt TBX1 protein function with a negative predictive value of 80%. In summary, the available evidence is currently insufficient to determine the role of this variant in disease. Therefore, it has been classified as a Variant of Uncertain Significance.